The following is an entry in ClinVar:

NM_004586.3(RPS6KA3):c.958G>T (p.Glu320Ter)

Gene: RPS6KA3 (ribosomal protein S6 kinase A3; minus strand). Cytogenetic location: Xp22.12.
Variant type: single nucleotide variant.
Coding change: c.958G>T on transcript NM_004586.3 (MANE Select); coding-DNA position 958, G replaced by T.
Protein change: p.Glu320Ter; replaces glutamic acid 320 with a stop codon.
Molecular consequence: nonsense.
Genome position (GRCh38, 1-based): chrX:20,176,475, C>A on the plus strand (G>T on the coding strand, the complement: RPS6KA3 is on the minus strand). VCF-style: chrX-20176475-C-A. GRCh37 (hg19) VCF-style: chrX-20194593-C-A.
Other names: short protein forms E320*.
Identifiers: ClinVar variation 976321 (VCV000976321.1), dbSNP rs2067702700, ClinGen allele CA412518158.
Genomic context (GRCh38, chrX:20,176,475, plus strand): 5'-GTTTTCATTCTATACTTACATTCCAGTCTATCGTTGAGAAAAATGAATGTCTTTTAATTT[C>A]TTCAACTCCATCTGGTCCTGCACCTATCAAAAATGGATTCACTGATAATTTTATTTCAAG-3'

ClinVar aggregate classification (germline): Likely pathogenic (1 of 4 stars; one submission).

Conditions:
Intellectual developmental disorder, X-linked 19. Also called: Intellectual disability, X-linked 19. Identifiers: Orphanet 777, MedGen C0796225, MONDO:0010447, OMIM 300844.

Submission:

Institute of Human Genetics, University of Leipzig Medical Center
Classification: Likely pathogenic for Intellectual developmental disorder, X-linked 19. Last evaluated: 2019-07-23. Review status: criteria provided, single submitter. Criteria: ACMG Guidelines, 2015. Collection method: clinical testing. Allele origin: germline. Affected: yes. Observed: 1 variant allele.
Comment: This variant was identified as hemizygous